The following is an entry in ClinVar:

NM_174936.4(PCSK9):c.112T>C (p.Tyr38His)

Gene: PCSK9 (proprotein convertase subtilisin/kexin type 9; plus strand). Cytogenetic location: 1p32.3.
Variant type: single nucleotide variant.
Coding change: c.112T>C on transcript NM_174936.4 (MANE Select); coding-DNA position 112, T replaced by C.
Protein change: p.Tyr38His; replaces tyrosine 38 with histidine.
Molecular consequence: missense variant. On other transcripts: 5 prime UTR variant (1), non-coding transcript variant (8).
Genome position (GRCh38, 1-based): chr1:55,039,949, T>C. VCF-style: chr1-55039949-T-C. GRCh37 (hg19) VCF-style: chr1-55505622-T-C.
Other names: c.112T>C, p.Tyr38His (NM_001407240.1, NM_001407241.1, NM_001407242.1 and 4 more transcripts); c.-623T>C (NM_001407246.1); short protein forms Y38H.
Identifiers: ClinVar variation 4758660 (VCV004758660.1).

ClinVar aggregate classification (germline): Uncertain significance (1 of 4 stars; one submission).

Conditions:
Familial hypercholesterolemia. Also called: Familial hypercholesterolaemia. Identifiers: MedGen C0020445, MONDO:0005439.

gnomAD v4.1: 2 of 1,575,440 alleles (0.00013%); highest among the groups gnomAD compares: Non-Finnish European, 0.00017%; no homozygotes.

Submission:

Color Diagnostics, LLC DBA Color Health
Classification: Uncertain significance for Familial hypercholesterolemia. Last evaluated: 2025-05-30. Review status: criteria provided, single submitter. Criteria: ACMG Guidelines, 2015. Collection method: clinical testing. Allele origin: germline.
Comment: This missense variant replaces tyrosine with histidine at codon 38 of the PCSK9 protein. Computational prediction suggests that this variant may not impact protein structure and function. To our knowledge, functional studies have not been reported for this variant. This variant has not been reported in individuals affected with PCSK9-related disorders in the literature. This variant has been identified in 1/187880 chromosomes in the general population by the Genome Aggregation Database (gnomAD). The available evidence is insufficient to determine the role of this variant in disease conclusively. Therefore, this variant is classified as a Variant of Uncertain Significance.